The following is an entry in ClinVar:

ClinVar aggregate classification (germline): Uncertain significance (1 of 4 stars; one submission).

Conditions:
PLXNA4-related disorder. Also called: PLXNA4-related condition.

Submission:

PreventionGenetics, part of Exact Sciences
Classification: Uncertain significance for PLXNA4-related condition. Last evaluated: 2026-06-29. Review status: criteria provided, single submitter. Criteria: ACMG Guidelines, 2015. Collection method: clinical testing. Allele origin: germline.
Comment: The PLXNA4 c.4977G>T variant is predicted to result in the amino acid substitution p.Glu1659Asp. To our knowledge, this variant has not been reported in the literature or in a large population database (gnomAD), indicating this variant is rare. At this time, the clinical significance of this variant is uncertain due to the absence of conclusive functional and genetic evidence.

NM_020911.2(PLXNA4):c.4977G>T (p.Glu1659Asp)

Gene: PLXNA4 (plexin A4; minus strand). Cytogenetic location: 7q32.3.
Variant type: single nucleotide variant.
Coding change: c.4977G>T on transcript NM_020911.2 (MANE Select); coding-DNA position 4977, G replaced by T.
Protein change: p.Glu1659Asp; replaces glutamic acid 1659 with aspartic acid.
Molecular consequence: missense variant.
Genome position (GRCh38, 1-based): chr7:132,146,588, C>A on the plus strand (G>T on the coding strand, the complement: PLXNA4 is on the minus strand). VCF-style: chr7-132146588-C-A. GRCh37 (hg19) VCF-style: chr7-131831347-C-A.
Other names: c.4977G>T, p.Glu1659Asp (NM_001393897.1); short protein forms E1659D.
Identifiers: ClinVar variation 4995107 (VCV004995107.1).
Genomic context (GRCh38, chr7:132,146,588, plus strand): 5'-GGTCAGGTAGATTTCAGACACCATCTTGCTCCCCCGGTCCCCCTCCTTCTGGTCTCCGTG[C>A]TCGTGGTTCTTCACTAGGTGCCACATCTTGACTCCACTCTCCAGGTCAGGAGTGATCATA-3'
Protein context (NP_065962.1, residues 1649-1669): VKMWHLVKNH[Glu1659Asp]HGDQKEGDRG